The following is an entry in ClinVar:

ClinVar aggregate classification (germline): Conflicting classifications of pathogenicity. Review status: criteria provided, conflicting classifications (1 of 4 stars). 4 submissions from 4 submitters: Uncertain significance (3); Likely benign (1). Last evaluated 2024-12-28.

Conditions:
Fanconi anemia (FA). Also called: Fanconi's anemia. Identifiers: Orphanet 84, MedGen C0015625, MeSH D005199, MONDO:0019391.
SLX4-related disorder. Also called: SLX4-related condition.
Fanconi anemia complementation group P. Also called: SLX4-Related Fanconi Anemia. Identifiers: Orphanet 84, MedGen C3469542, MONDO:0013499, OMIM 613951.

Allele frequency attached by ClinVar (database versions not stated): TOPMed 0.00004; gnomAD 0.00005; gnomAD exomes 0.00005 and 0.00012; ExAC 0.00012.
gnomAD v4.1: 90 of 1,613,140 alleles (0.0056%); highest among the groups gnomAD compares: East Asian, 0.096%; no homozygotes.

Submissions (4):

PreventionGenetics, part of Exact Sciences
Classification: Uncertain significance for SLX4-related condition. Last evaluated: 2024-12-28. Review status: criteria provided, single submitter. Criteria: ACMG Guidelines, 2015. Collection method: clinical testing. Allele origin: germline.
Comment: The SLX4 c.4856C>T variant is predicted to result in the amino acid substitution p.Pro1619Leu. To our knowledge, this variant has not been reported in the literature. This variant is reported in 0.15% of alleles in individuals of East Asian descent in gnomAD, which is likely too common to be a primary cause of disease. Although we suspect this variant may be benign, at this time, the clinical significance of this variant is uncertain due to the absence of conclusive functional and genetic evidence.

Blueprint Genetics
Classification: Likely benign. Last evaluated: 2023-04-14. Review status: criteria provided, single submitter. Criteria: ACMG Guidelines, 2015. Collection method: clinical testing. Allele origin: germline.

Labcorp Genetics (formerly Invitae), Labcorp
Classification: Uncertain significance for Fanconi anemia. Last evaluated: 2022-10-07. Review status: criteria provided, single submitter. Criteria: Invitae Variant Classification Sherloc (09022015). Collection method: clinical testing. Allele origin: germline.
Comment: This sequence change replaces proline, which is neutral and non-polar, with leucine, which is neutral and non-polar, at codon 1619 of the SLX4 protein (p.Pro1619Leu). This variant is present in population databases (rs771200478, gnomAD 0.2%). This variant has not been reported in the literature in individuals affected with SLX4-related conditions. ClinVar contains an entry for this variant (Variation ID: 526418). Algorithms developed to predict the effect of missense changes on protein structure and function output the following: SIFT: "Tolerated"; PolyPhen-2: "Benign"; Align-GVGD: "Class C0". The leucine amino acid residue is found in multiple mammalian species, which suggests that this missense change does not adversely affect protein function. In summary, the available evidence is currently insufficient to determine the role of this variant in disease. Therefore, it has been classified as a Variant of Uncertain Significance.

Fulgent Genetics
Classification: Uncertain significance for Fanconi anemia complementation group P. Last evaluated: 2022-03-19. Review status: criteria provided, single submitter. Criteria: ACMG Guidelines, 2015. Collection method: clinical testing. Allele origin: unknown.

NM_032444.4(SLX4):c.4856C>T (p.Pro1619Leu)

Gene: SLX4 (SLX4 structure-specific endonuclease subunit; minus strand). Cytogenetic location: 16p13.3.
Variant type: single nucleotide variant.
Coding change: c.4856C>T on transcript NM_032444.4 (MANE Select); coding-DNA position 4856, C replaced by T.
Protein change: p.Pro1619Leu; replaces proline 1619 with leucine.
Molecular consequence: missense variant.
Genome position (GRCh38, 1-based): chr16:3,583,394, G>A on the plus strand (C>T on the coding strand, the complement: SLX4 is on the minus strand). VCF-style: chr16-3583394-G-A. GRCh37 (hg19) VCF-style: chr16-3633395-G-A.
Other names: c.4856C>T (LRG_503t1, NM_032444.3); short protein forms P1619L.
Identifiers: ClinVar variation 526418 (VCV000526418.10), dbSNP rs771200478, ClinGen allele CA7865490.